The following is an entry in ClinVar:

NM_022458.4(LMBR1):c.423+4218T>C

Genes: LMBR1 (limb development membrane protein 1; minus strand), ZRS (ZPA regulatory sequence; plus strand). Cytogenetic location: 7q36.3.
Variant type: single nucleotide variant.
Coding change: c.423+4218T>C on transcript NM_022458.4 (MANE Select); 4218 bases into the intron after coding-DNA position 423, T replaced by C.
Molecular consequence: intron variant.
Genome position (GRCh38, 1-based): chr7:156,792,171, A>G on the plus strand (T>C on the coding strand, the complement: LMBR1 is on the minus strand). VCF-style: chr7-156792171-A-G. GRCh37 (hg19) VCF-style: chr7-156584865-A-G.
Other names: c.360+4218T>C (NM_001363412.2); c.144+4218T>C (NM_001350954.2); c.423+4218T>C (NM_001363410.2, NM_001363409.2, NM_001350953.2); c.-112+4218T>C (NM_001350958.2, NM_001350956.2, NM_001350955.2 and 1 more transcripts); c.54+4218T>C (NM_001350957.2, NM_001363411.2).
Identifiers: ClinVar variation 1218154 (VCV001218154.28), dbSNP rs118161223, ClinGen allele CA169823535.
Genomic context (GRCh38, chr7:156,792,171, plus strand): 5'-AATCAGAAAACATCTCTGATATTAATCCAGATAACCTGGAGGTCTTTTCTGGAGTGGAGG[A>G]GGGAGATAAATCATACAGCCAATCTGAGGTATGATAAGCACAGCAGTGATGGCTGCCTTA-3'

ClinVar aggregate classification (germline): Likely benign. Review status: criteria provided, multiple submitters, no conflicts (2 of 4 stars). 3 submissions from 3 submitters: Likely benign (3). Last evaluated 2026-07-01.

Allele frequency attached by ClinVar (database versions not stated): 1000 Genomes Project 0.00319; 1000 Genomes Project 30x 0.00344; TOPMed 0.00370; gnomAD 0.00399 and 0.00418.
gnomAD v4.1: 629 of 152,252 alleles (0.41%); highest among the groups gnomAD compares: South Asian, 0.81%; 4 homozygotes.

Submissions (3):

CeGaT Center for Human Genetics Tuebingen
Classification: Likely benign. Last evaluated: 2026-07-01. Review status: criteria provided, single submitter. Criteria: CeGaT Center For Human Genetics Tuebingen Variant Classification Criteria Version 2. Collection method: clinical testing. Allele origin: germline. Affected: yes. Observed: 9 variant alleles.
Comment: LMBR1: BS2

Blueprint Genetics
Classification: Likely benign. Last evaluated: 2024-11-27. Review status: criteria provided, single submitter. Criteria: ACMG Guidelines, 2015. Collection method: clinical testing. Allele origin: germline.

GeneDx
Classification: Likely benign. Last evaluated: 2019-12-10. Review status: criteria provided, single submitter. Criteria: GeneDx Variant Classification Process June 2021. Collection method: clinical testing. Allele origin: germline. Affected: yes.